The following is an entry in ClinVar:

NC_000005.10:g.112707468T>G

Gene: APC (APC regulator of Wnt signaling pathway; plus strand). Cytogenetic location: 5q22.2.
Variant type: single nucleotide variant.
Genome position: GRCh38 VCF-style: chr5-112707468-T-G. GRCh37 (hg19) VCF-style: chr5-112043165-T-G.
Other names: c.-250T>G (NM_001354897.2).
Identifiers: ClinVar variation 537651 (VCV000537651.14), dbSNP rs538243333, ClinGen allele CA561890103.

ClinVar aggregate classification (germline): Conflicting classifications of pathogenicity. Review status: criteria provided, conflicting classifications (1 of 4 stars). 2 submissions from 2 submitters: Uncertain significance (1); Likely benign (1). Last evaluated 2025-03-04.

Conditions:
Familial adenomatous polyposis 1 (FAP1). Also called: FAMILIAL ADENOMATOUS POLYPOSIS 1, ATTENUATED; POLYPOSIS, ADENOMATOUS INTESTINAL. Identifiers: MedGen C2713442, MONDO:0021056, OMIM 175100. Disease mechanism: loss of function.

Allele frequency attached by ClinVar (database versions not stated): TOPMed 0.00001; gnomAD 0.00006.

Submissions (2):

Center for Genomic Medicine, Rigshospitalet, Copenhagen University Hospital
Classification: Likely benign. Last evaluated: 2025-03-04. Review status: criteria provided, single submitter. Criteria: ACMG Guidelines, 2015. Collection method: clinical testing. Allele origin: germline.

Labcorp Genetics (formerly Invitae), Labcorp
Classification: Uncertain significance for Familial adenomatous polyposis 1. Last evaluated: 2025-01-18. Review status: criteria provided, single submitter. Criteria: Invitae Variant Classification Sherloc (09022015). Collection method: clinical testing. Allele origin: germline.
Comment: This variant occurs in a non-coding region of the APC gene. It does not change the encoded amino acid sequence of the APC protein. This variant is present in population databases (no rsID available, gnomAD 0.02%). This variant has not been reported in the literature in individuals affected with APC-related conditions. ClinVar contains an entry for this variant (Variation ID: 537651). Experimental studies and prediction algorithms are not available or were not evaluated, and the functional significance of this variant is currently unknown. In summary, the available evidence is currently insufficient to determine the role of this variant in disease. Therefore, it has been classified as a Variant of Uncertain Significance.